The following is an entry in ClinVar:

NM_000038.6(APC):c.5542C>A (p.Pro1848Thr)

Gene: APC (APC regulator of Wnt signaling pathway; plus strand). Cytogenetic location: 5q22.2.
Variant type: single nucleotide variant.
Coding change: c.5542C>A on transcript NM_000038.6 (MANE Select); coding-DNA position 5542, C replaced by A.
Protein change: p.Pro1848Thr; replaces proline 1848 with threonine.
Molecular consequence: missense variant.
Genome position (GRCh38, 1-based): chr5:112,841,136, C>A. VCF-style: chr5-112841136-C-A. GRCh37 (hg19) VCF-style: chr5-112176833-C-A.
Other names: c.5542C>A, p.Pro1848Thr (NM_001127510.3, NM_001354895.2); c.5488C>A, p.Pro1830Thr (NM_001127511.3); c.5596C>A, p.Pro1866Thr (NM_001354896.2); c.5572C>A, p.Pro1858Thr (NM_001354897.2); c.5467C>A, p.Pro1823Thr (NM_001354898.2); c.5458C>A, p.Pro1820Thr (NM_001354899.2); c.5419C>A, p.Pro1807Thr (NM_001354900.2); c.5365C>A, p.Pro1789Thr (NM_001354901.2); and 5 more; short protein forms P1830T, P1848T, P1722T, P1757T, P1565T, P1747T, P1820T, P1789T.
Identifiers: ClinVar variation 482413 (VCV000482413.13), dbSNP rs1554086807, ClinGen allele CA16033456.
Genomic context (GRCh38, chr5:112,841,136, plus strand): 5'-CCAAATAATGAAGATAGAGTCAGAGGAAGTTTTGCTTTTGATTCACCTCATCATTACACG[C>A]CTATTGAAGGAACTCCTTACTGTTTTTCACGAAATGATTCTTTGAGTTCTCTAGATTTTG-3'
Protein context (NP_000029.2, residues 1838-1858): FAFDSPHHYT[Pro1848Thr]IEGTPYCFSR

ClinVar aggregate classification (germline): Uncertain significance. Review status: criteria provided, multiple submitters, no conflicts (2 of 4 stars). 2 submissions from 2 submitters: Uncertain significance (2). Last evaluated 2020-12-11.

Conditions:
Hereditary cancer-predisposing syndrome. Also called: Neoplastic Syndromes, Hereditary; Tumor predisposition; Hereditary Cancer Syndrome; Hereditary neoplastic syndrome. Identifiers: Orphanet 140162, MedGen C0027672, MeSH D009386, MONDO:0015356.
Familial adenomatous polyposis 1 (FAP1). Also called: FAMILIAL ADENOMATOUS POLYPOSIS 1, ATTENUATED; POLYPOSIS, ADENOMATOUS INTESTINAL. Identifiers: MedGen C2713442, MONDO:0021056, OMIM 175100. Disease mechanism: loss of function.

Submissions (2):

Labcorp Genetics (formerly Invitae), Labcorp
Classification: Uncertain significance for Familial adenomatous polyposis 1. Last evaluated: 2020-12-11. Review status: criteria provided, single submitter. Criteria: Invitae Variant Classification Sherloc (09022015). Collection method: clinical testing. Allele origin: germline.
Comment: This sequence change replaces proline with threonine at codon 1848 of the APC protein (p.Pro1848Thr). The proline residue is highly conserved and there is a small physicochemical difference between proline and threonine. This variant is not present in population databases (ExAC no frequency). This variant has not been reported in the literature in individuals with APC-related conditions. ClinVar contains an entry for this variant (Variation ID: 482413). Algorithms developed to predict the effect of missense changes on protein structure and function (SIFT, PolyPhen-2, Align-GVGD) all suggest that this variant is likely to be disruptive, but these predictions have not been confirmed by published functional studies and their clinical significance is uncertain. In summary, the available evidence is currently insufficient to determine the role of this variant in disease. Therefore, it has been classified as a Variant of Uncertain Significance.

Ambry Genetics
Classification: Uncertain significance for Hereditary cancer-predisposing syndrome. Last evaluated: 2016-10-04. Review status: criteria provided, single submitter. Criteria: Ambry Variant Classification Scheme 2023. Collection method: clinical testing. Allele origin: germline.
Comment: The p.P1848T variant (also known as c.5542C>A), located in coding exon 15 of the APC gene, results from a C to A substitution at nucleotide position 5542. The proline at codon 1848 is replaced by threonine, an amino acid with highly similar properties. This variant was not reported in population based cohorts in the following databases: Database of Single Nucleotide Polymorphisms (dbSNP), NHLBI Exome Sequencing Project (ESP), and 1000 Genomes Project. In the ESP, this variant was not observed in 6502 samples (13004 alleles) with coverage at this position. To date, this alteration has been detected with an allele frequency of approximately 0.001% (greater than 90000 alleles tested) in our clinical cohort. This amino acid position is highly conserved in available vertebrate species. In addition, in silico predictors for this gene do not accurately predict pathogenicity. Since supporting evidence is limited at this time, the clinical significance of this alteration remains unclear.